The following is an entry in ClinVar:

ClinVar aggregate classification (germline): Uncertain significance. Review status: criteria provided, multiple submitters, no conflicts (2 of 4 stars). 3 submissions from 3 submitters: Uncertain significance (3). Last evaluated 2023-12-05.

Conditions:
Hereditary cancer-predisposing syndrome. Also called: Neoplastic Syndromes, Hereditary; Hereditary neoplastic syndrome; Tumor predisposition; Hereditary Cancer Syndrome. Identifiers: Orphanet 140162, MedGen C0027672, MeSH D009386, MONDO:0015356.
Fanconi anemia complementation group J. Also called: BRIP1-Related Fanconi Anemia. Identifiers: Orphanet 84, MedGen C1836860, MONDO:0012187, OMIM 609054.
Familial cancer of breast. Also called: hereditary breast carcinoma; BREAST CANCER, FAMILIAL; Hereditary breast cancer. Identifiers: Orphanet 227535, MedGen C0346153, MONDO:0016419, OMIM 114480. Disease mechanism: loss of function.

gnomAD v4.1: 1 of 1,613,448 alleles (0.000062%); highest among the groups gnomAD compares: Non-Finnish European, 0.000085%; no homozygotes.

Submissions (3):

Color Diagnostics, LLC DBA Color Health
Classification: Uncertain significance for Hereditary cancer-predisposing syndrome. Last evaluated: 2023-12-05. Review status: criteria provided, single submitter. Criteria: ACMG Guidelines, 2015. Collection method: clinical testing. Allele origin: germline.
Comment: This missense variant replaces alanine with proline at codon 980 of the BRIP1 protein. Computational prediction suggests that this variant may not impact protein structure and function (internally defined REVEL score threshold <= 0.5, PMID: 27666373). To our knowledge, functional studies have not been reported for this variant. This variant has not been reported in individuals affected with BRIP1-related disorders in the literature. This variant has not been identified in the general population by the Genome Aggregation Database (gnomAD). The available evidence is insufficient to determine the role of this variant in disease conclusively. Therefore, this variant is classified as a Variant of Uncertain Significance.

Ambry Genetics
Classification: Uncertain significance for Hereditary cancer-predisposing syndrome. Last evaluated: 2023-04-26. Review status: criteria provided, single submitter. Criteria: Ambry Variant Classification Scheme 2023. Collection method: clinical testing. Allele origin: germline.
Comment: The p.A980P variant (also known as c.2938G>C), located in coding exon 19 of the BRIP1 gene, results from a G to C substitution at nucleotide position 2938. The alanine at codon 980 is replaced by proline, an amino acid with highly similar properties. This amino acid position is not well conserved in available vertebrate species. In addition, this alteration is predicted to be tolerated by in silico analysis. Since supporting evidence is limited at this time, the clinical significance of this alteration remains unclear.

Labcorp Genetics (formerly Invitae), Labcorp
Classification: Uncertain significance for Familial cancer of breast; Fanconi anemia complementation group J. Last evaluated: 2021-07-01. Review status: criteria provided, single submitter. Criteria: Invitae Variant Classification Sherloc (09022015). Collection method: clinical testing. Allele origin: germline.
Comment: In summary, the available evidence is currently insufficient to determine the role of this variant in disease. Therefore, it has been classified as a Variant of Uncertain Significance. Algorithms developed to predict the effect of missense changes on protein structure and function (SIFT, PolyPhen-2, Align-GVGD) all suggest that this variant is likely to be tolerated, but these predictions have not been confirmed by published functional studies and their clinical significance is uncertain. This variant has not been reported in the literature in individuals with BRIP1-related conditions. This variant is not present in population databases (ExAC no frequency). This sequence change replaces alanine with proline at codon 980 of the BRIP1 protein (p.Ala980Pro). The alanine residue is weakly conserved and there is a small physicochemical difference between alanine and proline.

NM_032043.3(BRIP1):c.2938G>C (p.Ala980Pro)

Gene: BRIP1 (BRCA1 interacting DNA helicase 1; minus strand). Cytogenetic location: 17q23.2.
Variant type: single nucleotide variant.
Coding change: c.2938G>C on transcript NM_032043.3 (MANE Select); coding-DNA position 2938, G replaced by C.
Protein change: p.Ala980Pro; replaces alanine 980 with proline.
Molecular consequence: missense variant.
Genome position (GRCh38, 1-based): chr17:61,684,108, C>G on the plus strand (G>C on the coding strand, the complement: BRIP1 is on the minus strand). VCF-style: chr17-61684108-C-G. GRCh37 (hg19) VCF-style: chr17-59761469-C-G.
Other names: short protein forms A980P.
Identifiers: ClinVar variation 841797 (VCV000841797.16), dbSNP rs2061325944, ClinGen allele CA400480705.
Genomic context (GRCh38, chr17:61,684,108, plus strand): 5'-CTCTCTTTGTTTGTTTGTTGAAAGTTGGGCTTGTGGATCTGGAAATCACAATTTTTTCTG[C>G]TTTCCCTGCTTCTTCCAGGAATACTGGATCATCTAAGAATACAAGAATTTAAGAGATTTA-3'
Protein context (NP_114432.2, residues 970-990): DPVFLEEAGK[Ala980Pro]EKIVISRSTS